The following is an entry in ClinVar:

NM_001037.5(SCN1B):c.591C>G (p.Ala197=)

Gene: SCN1B (sodium voltage-gated channel beta subunit 1; plus strand). Cytogenetic location: 19q13.11.
Variant type: single nucleotide variant.
Coding change: c.591C>G on transcript NM_001037.5 (MANE Select); coding-DNA position 591, C replaced by G.
Protein change: p.Ala197=; no amino-acid change (alanine 197 retained).
Molecular consequence: synonymous variant.
Genome position (GRCh38, 1-based): chr19:35,039,635, C>G. VCF-style: chr19-35039635-C-G. GRCh37 (hg19) VCF-style: chr19-35530539-C-G.
Other names: c.492C>G, p.Ala164= (NM_001321605.2).
Identifiers: ClinVar variation 5040659 (VCV005040659.1).

ClinVar aggregate classification (germline): Likely benign (1 of 4 stars; one submission).

Submission:

CeGaT Center for Human Genetics Tuebingen
Classification: Likely benign. Last evaluated: 2026-08-01. Review status: criteria provided, single submitter. Criteria: CeGaT Center For Human Genetics Tuebingen Variant Classification Criteria Version 2. Collection method: clinical testing. Allele origin: germline. Affected: yes. Observed: 1 variant allele.
Comment: SCN1B: PM2:Supporting, BP4, BP7